The following is an entry in ClinVar:

ClinVar aggregate classification (germline): Benign. Review status: criteria provided, multiple submitters, no conflicts (2 of 4 stars). 4 submissions from 4 submitters: Benign (3). 1 of the submissions does not count toward it. Last evaluated 2016-06-02.

Conditions:
Inborn genetic diseases. Identifiers: MedGen C0950123, MeSH D030342.
NRXN1-related disorder.

Submissions (4):

Eurofins Ntd Llc (ga)
Classification: Benign. Last evaluated: 2016-06-02. Review status: criteria provided, single submitter. Criteria: EGL Classification Definitions 2015. Collection method: clinical testing. Allele origin: germline. Observed: 5 variant alleles, 3 heterozygotes, 2 homozygotes.

Ambry Genetics
Classification: Benign for Inborn genetic diseases. Last evaluated: 2016-03-21. Review status: criteria provided, single submitter. Criteria: Ambry Variant Classification Scheme 2023. Collection method: clinical testing. Allele origin: germline.

GeneDx
Classification: Benign. Last evaluated: 2015-03-03. Review status: criteria provided, single submitter. Criteria: GeneDx Variant Classification Process June 2021. Collection method: clinical testing. Allele origin: germline. Affected: yes.

PreventionGenetics, part of Exact Sciences
Classification: Benign for NRXN1-related condition. Last evaluated: 2019-05-15. Review status: no assertion criteria provided. Collection method: clinical testing. Allele origin: germline. Not counted in ClinVar's aggregate classification.
Comment: This variant is classified as benign based on ACMG/AMP sequence variant interpretation guidelines (Richards et al. 2015 PMID: 25741868, with internal and published modifications).

NM_138735.4(NRXN1):c.49[5] (p.Gly17[5])

Gene: NRXN1 (neurexin 1; minus strand). Cytogenetic location: 2p16.3.
Variant type: Microsatellite.
Coding change: c.49[5] on transcript NM_138735.4.
Protein change: p.Gly17[5].
Molecular consequence: intron variant (on NM_001330078.2). On other transcripts: inframe deletion (4).
Genome position: GRCh38 VCF-style: chr2-50346870-GCGCCGCCGCCGCCGC-G. GRCh37 (hg19) VCF-style: chr2-50574008-GCGCCGCCGCCGCCGC-G.
Other names: c.65_79del15 (NM_001330097.1); c.3365-109930GCG[5] (NM_004801.6, NM_001330086.2, NM_001330078.2); c.3485-109930GCG[5] (NM_001135659.3); c.50GCG[5], p.Gly22_Gly26del (NM_001330091.2, NM_001330092.2, NM_001330097.2 and 1 more transcripts); c.3254-109930GCG[5] (NM_001330096.2, NM_001330087.2); c.3299-109930GCG[5] (NM_001330083.2, NM_001330084.2); c.3284-109930GCG[5] (NM_001330088.2); c.3362-109930GCG[5] (NM_001330093.2); and 4 more.
Identifiers: ClinVar variation 287918 (VCV000287918.14), dbSNP rs750165040, ClinGen allele CA1654563.